The following is an entry in ClinVar:

ClinVar aggregate classification (germline): Likely benign (1 of 4 stars; one submission).

Submission:

GeneDx
Classification: Likely benign. Last evaluated: 2017-09-08. Review status: criteria provided, single submitter. Criteria: GeneDx Variant Classification (06012015). Collection method: clinical testing. Allele origin: germline. Affected: yes.
Comment: This variant is considered likely benign or benign based on one or more of the following criteria: it is a conservative change, it occurs at a poorly conserved position in the protein, it is predicted to be benign by multiple in silico algorithms, and/or has population frequency not consistent with disease.

NM_001065.3(TNFRSF1A):c.769-23_769-19delTTGCGinsCTGCT

Gene: TNFRSF1A (TNF receptor superfamily member 1A; minus strand). Cytogenetic location: 12p13.31.
Variant type: Indel.
Coding change: c.769-23_769-19delTTGCGinsCTGCT on transcript NM_001065.3; 23 bases into the intron before coding-DNA position 769 through 19 bases into the intron before coding-DNA position 769, this stretch deleted.
Identifiers: ClinVar variation 511932 (VCV000511932.2).